The following is an entry in ClinVar:

ClinVar aggregate classification (germline): Uncertain significance (1 of 4 stars; one submission).

Submission:

GeneDx
Classification: Uncertain significance. Last evaluated: 2024-01-19. Review status: criteria provided, single submitter. Criteria: GeneDx Variant Classification Process June 2021. Collection method: clinical testing. Allele origin: germline. Affected: yes.
Comment: Not observed at significant frequency in large population cohorts (gnomAD); In silico analysis supports that this missense variant has a deleterious effect on protein structure/function; Has not been previously published as pathogenic or benign to our knowledge

NM_006231.4(POLE):c.5518A>C (p.Thr1840Pro)

Gene: POLE (DNA polymerase epsilon, catalytic subunit; minus strand). Cytogenetic location: 12q24.33.
Variant type: single nucleotide variant.
Coding change: c.5518A>C on transcript NM_006231.4 (MANE Select); coding-DNA position 5518, A replaced by C.
Protein change: p.Thr1840Pro; replaces threonine 1840 with proline.
Molecular consequence: missense variant.
Genome position (GRCh38, 1-based): chr12:132,639,159, T>G on the plus strand (A>C on the coding strand, the complement: POLE is on the minus strand). VCF-style: chr12-132639159-T-G. GRCh37 (hg19) VCF-style: chr12-133215745-T-G.
Other names: short protein forms T1840P.
Identifiers: ClinVar variation 3368103 (VCV003368103.1).